The following is an entry in ClinVar:

ClinVar aggregate classification (germline): Uncertain significance (1 of 4 stars; one submission).

Submission:

Ambry Genetics
Classification: Uncertain significance. Last evaluated: 2025-02-24. Review status: criteria provided, single submitter. Criteria: Ambry Variant Classification Scheme 2023. Collection method: clinical testing. Allele origin: germline.
Comment: The p.E1695K variant (also known as c.5083G>A), located in coding exon 22 of the WNK2 gene, results from a G to A substitution at nucleotide position 5083. The glutamic acid at codon 1695 is replaced by lysine, an amino acid with similar properties. This amino acid position is conserved. In addition, this alteration is predicted to be tolerated by in silico analysis. Based on the available evidence, the clinical significance of this variant remains unclear.

NM_006648.4(WNK2):c.5083G>A (p.Glu1695Lys)

Gene: WNK2 (WNK lysine deficient protein kinase 2; plus strand). Cytogenetic location: 9q22.31.
Variant type: single nucleotide variant.
Coding change: c.5083G>A on transcript NM_006648.4 (MANE Select); coding-DNA position 5083, G replaced by A.
Protein change: p.Glu1695Lys; replaces glutamic acid 1695 with lysine.
Molecular consequence: missense variant.
Genome position (GRCh38, 1-based): chr9:93,292,548, G>A. VCF-style: chr9-93292548-G-A. GRCh37 (hg19) VCF-style: chr9-96054830-G-A.
Other names: c.5194G>A, p.Glu1732Lys (NM_001282394.3); short protein forms E1732K, E1695K.
Identifiers: ClinVar variation 3817153 (VCV003817153.1).